The following is an entry in ClinVar:

NM_001035.3(RYR2):c.10876A>G (p.Lys3626Glu)

Gene: RYR2 (ryanodine receptor 2; plus strand). Cytogenetic location: 1q43.
Variant type: single nucleotide variant.
Coding change: c.10876A>G on transcript NM_001035.3 (MANE Select); coding-DNA position 10876, A replaced by G.
Protein change: p.Lys3626Glu; replaces lysine 3626 with glutamic acid.
Molecular consequence: missense variant.
Genome position (GRCh38, 1-based): chr1:237,730,297, A>G. VCF-style: chr1-237730297-A-G. GRCh37 (hg19) VCF-style: chr1-237893597-A-G.
Other names: short protein forms K3626E.
Identifiers: ClinVar variation 921567 (VCV000921567.7), dbSNP rs1343502629, ClinGen allele CA345417831.

ClinVar aggregate classification (germline): Uncertain significance. Review status: criteria provided, multiple submitters, no conflicts (2 of 4 stars). 3 submissions from 3 submitters: Uncertain significance (3). Last evaluated 2025-11-10.

Conditions:
Catecholaminergic polymorphic ventricular tachycardia (CVPT). Also called: Catecholamine-induced polymorphic ventricular tachycardia. Identifiers: Orphanet 3286, MedGen C5574922, MONDO:0017990.
Cardiomyopathy (CMYO). Also called: Cardiomyopathies. Identifiers: Orphanet 167848, MedGen C0878544, MONDO:0004994, HP:0001638. Inheritance: Various modes of inheritance.
Catecholaminergic polymorphic ventricular tachycardia 1. Also called: VENTRICULAR TACHYCARDIA, CATECHOLAMINERGIC POLYMORPHIC, 1, WITH OR WITHOUT ATRIAL DYSFUNCTION AND/OR DILATED CARDIOMYOPATHY; RYR2-Related Catecholaminergic Polymorphic Ventricular Tachycardia; VENTRICULAR TACHYCARDIA, STRESS-INDUCED POLYMORPHIC 1. Identifiers: Orphanet 3286, MedGen C1631597, MONDO:0011484, OMIM 604772.

Allele frequency attached by ClinVar (database versions not stated): gnomAD exomes below 0.00001 and 0.00001; TOPMed below 0.00001; gnomAD 0.00003.
gnomAD v4.1: 8 of 1,609,450 alleles (0.0005%); highest among the groups gnomAD compares: Admixed American, 0.0083%; no homozygotes.

Submissions (3):

Labcorp Genetics (formerly Invitae), Labcorp
Classification: Uncertain significance for Catecholaminergic polymorphic ventricular tachycardia 1. Last evaluated: 2025-11-10. Review status: criteria provided, single submitter. Criteria: Invitae Variant Classification Sherloc (09022015). Collection method: clinical testing. Allele origin: germline.
Comment: This sequence change replaces lysine, which is basic and polar, with glutamic acid, which is acidic and polar, at codon 3626 of the RYR2 protein (p.Lys3626Glu). This variant is present in population databases (no rsID available, gnomAD 0.003%). This variant has not been reported in the literature in individuals affected with RYR2-related conditions. ClinVar contains an entry for this variant (Variation ID: 921567). Invitae Evidence Modeling of protein sequence and biophysical properties (such as structural, functional, and spatial information, amino acid conservation, physicochemical variation, residue mobility, and thermodynamic stability) indicates that this missense variant is not expected to disrupt RYR2 protein function with a negative predictive value of 95%. In summary, the available evidence is currently insufficient to determine the role of this variant in disease. Therefore, it has been classified as a Variant of Uncertain Significance.

All of Us Research Program, National Institutes of Health
Classification: Uncertain significance for Catecholaminergic polymorphic ventricular tachycardia. Last evaluated: 2023-12-18. Review status: criteria provided, single submitter. Criteria: ACMG Guidelines, 2015. Collection method: clinical testing. Allele origin: germline. Inheritance: Autosomal dominant inheritance. Observed: 1 variant allele, 1 heterozygote.
Comment: This missense variant replaces lysine with glutamic acid at codon 3626 of the RYR2 protein. Computational prediction is inconclusive regarding the impact of this variant on protein structure and function (internally defined REVEL score threshold 0.5 < inconclusive < 0.7, PMID: 27666373). To our knowledge, functional studies have not been reported for this variant. This variant has not been reported in individuals affected with cardiovascular disorders in the literature. This variant has been identified in 2/248766 chromosomes in the general population by the Genome Aggregation Database (gnomAD). The available evidence is insufficient to determine the role of this variant in disease conclusively. Therefore, this variant is classified as a Variant of Uncertain Significance.

This study involves interpretation of variants in research participants for the purpose of population health screening. Participant phenotype was not available at the time of variant classification. Additional details can be found in publication PMID: 35346344, PMCID: PMC8962531

Color Diagnostics, LLC DBA Color Health
Classification: Uncertain significance for Cardiomyopathy. Last evaluated: 2023-11-28. Review status: criteria provided, single submitter. Criteria: ACMG Guidelines, 2015. Collection method: clinical testing. Allele origin: germline.
Comment: This missense variant replaces lysine with glutamic acid at codon 3626 of the RYR2 protein. Computational prediction is inconclusive regarding the impact of this variant on protein structure and function (internally defined REVEL score threshold 0.5 < inconclusive < 0.7, PMID: 27666373). To our knowledge, functional studies have not been reported for this variant. This variant has not been reported in individuals affected with RYR2-related disorders in the literature. This variant has been identified in 2/248766 chromosomes in the general population by the Genome Aggregation Database (gnomAD). The available evidence is insufficient to determine the role of this variant in disease conclusively. Therefore, this variant is classified as a Variant of Uncertain Significance.